The following is an entry in ClinVar:

ClinVar aggregate classification (germline): Uncertain significance (1 of 4 stars; one submission).

Conditions:
Cardiovascular phenotype. Identifiers: MedGen CN230736.

Submission:

Ambry Genetics
Classification: Uncertain significance for Cardiovascular phenotype. Last evaluated: 2025-04-13. Review status: criteria provided, single submitter. Criteria: Ambry Variant Classification Scheme 2023. Collection method: clinical testing. Allele origin: germline.
Comment: The p.P352T variant (also known as c.1054C>A), located in coding exon 2 of the RBM20 gene, results from a C to A substitution at nucleotide position 1054. The proline at codon 352 is replaced by threonine, an amino acid with highly similar properties. This amino acid position is conserved. In addition, this alteration is predicted to be deleterious by in silico analysis. Based on the available evidence, the clinical significance of this variant remains unclear.

NM_001134363.3(RBM20):c.1054C>A (p.Pro352Thr)

Gene: RBM20 (RNA binding motif protein 20; plus strand). Cytogenetic location: 10q25.2.
Variant type: single nucleotide variant.
Coding change: c.1054C>A on transcript NM_001134363.3 (MANE Select); coding-DNA position 1054, C replaced by A.
Protein change: p.Pro352Thr; replaces proline 352 with threonine.
Molecular consequence: missense variant.
Genome position (GRCh38, 1-based): chr10:110,781,663, C>A. VCF-style: chr10-110781663-C-A. GRCh37 (hg19) VCF-style: chr10-112541421-C-A.
Other names: short protein forms P352T.
Identifiers: ClinVar variation 3943636 (VCV003943636.1).